The following is an entry in ClinVar:

ClinVar aggregate classification (germline): Uncertain significance (1 of 4 stars; one submission).

Conditions:
2-aminoadipic 2-oxoadipic aciduria (AAKAD). Also called: Aminoadipic aciduria; ALPHA-AMINOADIPIC AND ALPHA-KETOADIPIC ACIDURIA. Identifiers: Orphanet 79154, MedGen C1859817, MONDO:0008774, OMIM 204750.

Allele frequency attached by ClinVar (database versions not stated): gnomAD exomes below 0.00001; gnomAD 0.00001; TOPMed 0.00001.
gnomAD v4.1: 8 of 1,610,762 alleles (0.0005%); highest among the groups gnomAD compares: Admixed American, 0.0017%; no homozygotes.

Submission:

Labcorp Genetics (formerly Invitae), Labcorp
Classification: Uncertain significance for 2-aminoadipic 2-oxoadipic aciduria. Last evaluated: 2023-09-13. Review status: criteria provided, single submitter. Criteria: Invitae Variant Classification Sherloc (09022015). Collection method: clinical testing. Allele origin: germline.
Comment: In summary, the available evidence is currently insufficient to determine the role of this variant in disease. Therefore, it has been classified as a Variant of Uncertain Significance. Advanced modeling of protein sequence and biophysical properties (such as structural, functional, and spatial information, amino acid conservation, physicochemical variation, residue mobility, and thermodynamic stability) performed at Invitae indicates that this missense variant is expected to disrupt DHTKD1 protein function. This variant has not been reported in the literature in individuals affected with DHTKD1-related conditions. This variant is present in population databases (no rsID available, gnomAD 0.003%). This sequence change replaces glycine, which is neutral and non-polar, with valine, which is neutral and non-polar, at codon 340 of the DHTKD1 protein (p.Gly340Val).

NM_018706.7(DHTKD1):c.1019G>T (p.Gly340Val)

Gene: DHTKD1 (dehydrogenase E1 and transketolase domain containing 1; plus strand). Cytogenetic location: 10p14.
Variant type: single nucleotide variant.
Coding change: c.1019G>T on transcript NM_018706.7 (MANE Select); coding-DNA position 1019, G replaced by T.
Protein change: p.Gly340Val; replaces glycine 340 with valine.
Molecular consequence: missense variant.
Genome position (GRCh38, 1-based): chr10:12,091,544, G>T. VCF-style: chr10-12091544-G-T. GRCh37 (hg19) VCF-style: chr10-12133543-G-T.
Other names: short protein forms G340V.
Identifiers: ClinVar variation 2799865 (VCV002799865.3), dbSNP rs976767270, ClinGen allele CA202583212.
Genomic context (GRCh38, chr10:12,091,544, plus strand): 5'-CCACCCGCTCCCCTTGCCTCATGATTTAGGTCCATGGTGATGCTTCTTTCTGTGGTCAAG[G>T]GATTGTTCCTGAAACATTCACGCTGTCCAATCTCCCACATTTCAGAATTGGTGGGAGTGT-3'
Protein context (NP_061176.4, residues 330-350): VHGDASFCGQ[Gly340Val]IVPETFTLSN